The following is an entry in ClinVar:

NM_000260.4(MYO7A):c.5945G>A (p.Gly1982Glu)

Gene: MYO7A (myosin VIIA; plus strand). Cytogenetic location: 11q13.5.
Variant type: single nucleotide variant.
Coding change: c.5945G>A on transcript NM_000260.4 (MANE Select); coding-DNA position 5945, G replaced by A.
Protein change: p.Gly1982Glu; replaces glycine 1982 with glutamic acid.
Molecular consequence: missense variant.
Genome position (GRCh38, 1-based): chr11:77,208,697, G>A. VCF-style: chr11-77208697-G-A. GRCh37 (hg19) VCF-style: chr11-76919742-G-A.
Other names: c.5831G>A, p.Gly1944Glu (NM_001127180.2); c.5798G>A, p.Gly1933Glu (NM_001369365.1); short protein forms G1982E, G1933E, G1944E.
Identifiers: ClinVar variation 43310 (VCV000043310.7), dbSNP rs111033250, ClinGen allele CA278700.

ClinVar aggregate classification (germline): Conflicting classifications of pathogenicity. Review status: criteria provided, conflicting classifications (1 of 4 stars). 3 submissions from 3 submitters: Likely pathogenic (1); Uncertain significance (1). 1 of the submissions does not count toward it. Last evaluated 2026-08-10.

Conditions:
MYO7A-related disorder. Also called: MYO7A-related disorders.
Rare genetic deafness. Identifiers: Orphanet 96210, MedGen C5680250.
Usher syndrome type 1 (USH1). Also called: RETINITIS PIGMENTOSA AND CONGENITAL DEAFNESS. Identifiers: Orphanet 231169, Orphanet 886, MedGen C1568247, MONDO:0010168, OMIM 276900.

Allele frequency attached by ClinVar (database versions not stated): TOPMed below 0.00001; gnomAD 0.00001.
gnomAD v4.1: 1 of 1,578,974 alleles (0.000063%); highest among the groups gnomAD compares: East Asian, 0.0023%; no homozygotes.

Submissions (3):

Myriad Genetics, Inc.
Classification: Uncertain significance for Usher syndrome type 1. Last evaluated: 2026-08-10. Review status: criteria provided, single submitter. Criteria: Myriad Autosomal Dominant, Autosomal Recessive and X-Linked Classification Criteria (2023). Collection method: clinical testing. Allele origin: unknown.
Comment: NM_000260.3(MYO7A):c.5945G>A(G1982E) is a missense variant classified as a variant of uncertain significance in the context of MYO7A-related disorders. G1982E has been observed in a case with relevant disease (PMID: 19074810). Relevant functional assessments of this variant are not available in the literature. G1982E has not been observed in referenced population frequency databases. In summary, there is insufficient evidence to classify NM_000260.3(MYO7A):c.5945G>A(G1982E) as pathogenic or benign. Please note: this variant was assessed in the context of healthy population screening.

Blueprint Genetics
Classification: Likely pathogenic for MYO7A-related disorders. Last evaluated: 2020-05-15. Review status: criteria provided, single submitter. Criteria: ACMG Guidelines, 2015. Collection method: clinical testing. Allele origin: germline. Affected: yes. Observed: 2 variant alleles.

Laboratory for Molecular Medicine, Mass General Brigham Personalized Medicine
Classification: Likely pathogenic for Rare genetic deafness. Last evaluated: 2008-03-01. Review status: no assertion criteria provided. Collection method: clinical testing. Allele origin: germline. Observed: 2 variant alleles. Not counted in ClinVar's aggregate classification.

Literature cited by the submitters: PubMed 19074810 (cited by Myriad Genetics, Inc.).